The following is an entry in ClinVar:

ClinVar aggregate classification (germline): Conflicting classifications of pathogenicity. Review status: criteria provided, conflicting classifications (1 of 4 stars). 3 submissions from 3 submitters: Pathogenic (1); Likely pathogenic (1); Uncertain significance (1). Last evaluated 2026-01-24.

Conditions:
Jeune thoracic dystrophy. Also called: Jeune syndrome; Infantile thoracic dystrophy; Thoracic pelvic phalangeal dystrophy; Jeune's syndrome; Chondroectodermal dysplasia-like syndrome; Short-rib thoracic dysplasia. Identifiers: Orphanet 474, MedGen C0265275, MONDO:0018770.

Allele frequency attached by ClinVar (database versions not stated): ExAC 0.00002; gnomAD 0.00002.
gnomAD v4.1: 25 of 1,612,870 alleles (0.0016%); highest among the groups gnomAD compares: South Asian, 0.027%; 1 homozygote.

Submissions (3):

Labcorp Genetics (formerly Invitae), Labcorp
Classification: Pathogenic for Jeune thoracic dystrophy. Last evaluated: 2026-01-24. Review status: criteria provided, single submitter. Criteria: Invitae Variant Classification Sherloc (09022015). Collection method: clinical testing. Allele origin: germline.
Comment: This sequence change replaces aspartic acid, which is acidic and polar, with tyrosine, which is neutral and polar, at codon 1637 of the DYNC2H1 protein (p.Asp1637Tyr). This variant is present in population databases (rs771639486, gnomAD 0.02%). This missense change has been observed in individual(s) with short-rib thoracic dysplasia (PMID: 33694158, 35506549). In at least one individual the data is consistent with being in trans (on the opposite chromosome) from a pathogenic variant. ClinVar contains an entry for this variant (Variation ID: 2428959). Invitae Evidence Modeling of protein sequence and biophysical properties (such as structural, functional, and spatial information, amino acid conservation, physicochemical variation, residue mobility, and thermodynamic stability) has been performed for this missense variant. However, the output from this modeling did not meet the statistical confidence thresholds required to predict the impact of this variant on DYNC2H1 protein function. For these reasons, this variant has been classified as Pathogenic.

GeneDx
Classification: Likely pathogenic. Last evaluated: 2025-11-12. Review status: criteria provided, single submitter. Criteria: GeneDx Variant Classification Process June 2021. Collection method: clinical testing. Allele origin: germline.
Comment: In silico analysis supports that this missense variant has a deleterious effect on protein structure/function; This variant is associated with the following publications: (PMID: 33694158, 35506549)

Women's Health and Genetics/Laboratory Corporation of America, LabCorp
Classification: Uncertain significance. Last evaluated: 2025-04-09. Review status: criteria provided, single submitter. Criteria: LabCorp Variant Classification Summary - May 2015. Collection method: clinical testing. Allele origin: germline.
Comment: Variant summary: DYNC2H1 c.4909G>T (p.Asp1637Tyr) results in a non-conservative amino acid change in the encoded protein sequence. Four of five in-silico tools predict a damaging effect of the variant on protein function. The variant allele was found at a frequency of 2e-05 in 248302 control chromosomes in the gnomAD database, including 1 homozygotes. c.4909G>T has been reported in the literature in compound heterozygous individuals affected with Short-rib thoracic dysplasia (Thakur_2021, Chandler_2022). These data indicate that the variant may be associated with disease. To our knowledge, no experimental evidence demonstrating an impact on protein function has been reported. The following publications have been ascertained in the context of this evaluation (PMID: 35506549, 33694158). ClinVar contains an entry for this variant (Variation ID: 2428959). Based on the evidence outlined above, the variant was classified as VUS-possibly pathogenic.

Literature cited by the submitters: PubMed 33694158 (cited by Labcorp Genetics (formerly Invitae), Labcorp and Women's Health and Genetics/Laboratory Corporation of America, LabCorp); PubMed 35506549 (cited by Labcorp Genetics (formerly Invitae), Labcorp and Women's Health and Genetics/Laboratory Corporation of America, LabCorp).

NM_001377.3(DYNC2H1):c.4909G>T (p.Asp1637Tyr)

Gene: DYNC2H1 (dynein cytoplasmic 2 heavy chain 1; plus strand). Cytogenetic location: 11q22.3.
Variant type: single nucleotide variant.
Coding change: c.4909G>T on transcript NM_001377.3 (MANE Select); coding-DNA position 4909, G replaced by T.
Protein change: p.Asp1637Tyr; replaces aspartic acid 1637 with tyrosine.
Molecular consequence: missense variant.
Genome position (GRCh38, 1-based): chr11:103,168,901, G>T. VCF-style: chr11-103168901-G-T. GRCh37 (hg19) VCF-style: chr11-103039630-G-T.
Other names: c.4909G>T, p.Asp1637Tyr (NM_001080463.2); short protein forms D1637Y.
Identifiers: ClinVar variation 2428959 (VCV002428959.9), dbSNP rs771639486, ClinGen allele CA6253653.
Genomic context (GRCh38, chr11:103,168,901, plus strand): 5'-CAGGTTCATACAACTGAAGACTGGGCTTGGAAAAAACAACTTAGATTCTATATGAAAAGT[G>T]ATCATACATGTTGTGTTCAAATGGTGGATTCTGAATTTCAGTATACTTATGAATATCAGG-3'
Protein context (NP_001368.2, residues 1627-1647): KKQLRFYMKS[Asp1637Tyr]HTCCVQMVDS